The following is an entry in ClinVar:

ClinVar aggregate classification (germline): Conflicting classifications of pathogenicity. Review status: criteria provided, conflicting classifications (1 of 4 stars). 11 submissions from 11 submitters: Uncertain significance (6); Benign (2); Likely benign (2). 1 of the submissions does not count toward it. Last evaluated 2026-06-01.

Conditions:
ATPase cation transporting 13A2 related juvenile neuronal ceroid lipofuscinosis. Also called: Parkinsonism due to ATP13A2 deficiency; CLN12 disease. Identifiers: Orphanet 314632, MedGen C5230619, MONDO:0017809.
Kufor-Rakeb syndrome (KRS). Also called: PARKINSON DISEASE 9, AUTOSOMAL RECESSIVE, JUVENILE-ONSET. Identifiers: Orphanet 306674, Orphanet 314632, MedGen C1847640, MONDO:0011706, OMIM 606693.
Autosomal recessive spastic paraplegia type 78. Identifiers: Orphanet 513436, MedGen C5567893, MONDO:0014975, OMIM 617225.
ATP13A2-related disorder. Also called: ATP13A2-related disorders; ATP13A2-related condition.
Inborn genetic diseases. Identifiers: MedGen C0950123, MeSH D030342.

Allele frequency attached by ClinVar (database versions not stated): 1000 Genomes Project 0.00080; gnomAD 0.00091 and 0.00094; TOPMed 0.00093; gnomAD exomes 0.00099 and 0.00157; ExAC 0.00102; 1000 Genomes Project 30x 0.00109; ESP Exome Variant Server 0.00131.
gnomAD v4.1: 2,443 of 1,614,064 alleles (0.15%); highest among the groups gnomAD compares: Middle Eastern, 0.4%; 7 homozygotes.

Submissions (11):

CeGaT Center for Human Genetics Tuebingen
Classification: Benign. Last evaluated: 2026-06-01. Review status: criteria provided, single submitter. Criteria: CeGaT Center For Human Genetics Tuebingen Variant Classification Criteria Version 2. Collection method: clinical testing. Allele origin: germline. Affected: yes. Observed: 10 variant alleles.
Comment: ATP13A2: BS1, BS4

Labcorp Genetics (formerly Invitae), Labcorp
Classification: Likely benign for Kufor-Rakeb syndrome; Autosomal recessive spastic paraplegia type 78. Last evaluated: 2026-01-28. Review status: criteria provided, single submitter. Criteria: Invitae Variant Classification Sherloc (09022015). Collection method: clinical testing. Allele origin: germline.

Blueprint Genetics
Classification: Uncertain significance. Last evaluated: 2024-11-11. Review status: criteria provided, single submitter. Criteria: ACMG Guidelines, 2015. Collection method: clinical testing. Allele origin: germline.

Department of Pathology and Laboratory Medicine, Sinai Health System
Classification: Uncertain significance for Kufor-Rakeb syndrome. Last evaluated: 2023-06-21. Review status: criteria provided, single submitter. Criteria: ACMG Guidelines, 2015. Collection method: research. Allele origin: germline.

Mayo Clinic Laboratories, Mayo Clinic
Classification: Uncertain significance. Last evaluated: 2023-01-09. Review status: criteria provided, single submitter. Criteria: ACMG Guidelines, 2015. Collection method: clinical testing. Allele origin: germline. Observed: 2 variant alleles.

Ambry Genetics
Classification: Benign for Inborn genetic diseases. Last evaluated: 2021-02-03. Review status: criteria provided, single submitter. Criteria: Ambry Variant Classification Scheme 2023. Collection method: clinical testing. Allele origin: germline.

GeneDx
Classification: Likely benign. Last evaluated: 2021-01-08. Review status: criteria provided, single submitter. Criteria: GeneDx Variant Classification Process June 2021. Collection method: clinical testing. Allele origin: germline. Affected: yes.
Comment: Reported in the heterozygous state in an individual with Parkinson disease; however, a second ATP13A2 variant was not detected and I946F was observed in an unaffected control (Djarmati et al., 2009); This variant is associated with the following publications: (PMID: 19458722, 18075584, 12169656, 19705361, 19085912, 18075585)

Genomic Research Center, Shahid Beheshti University of Medical Sciences
Classification: Uncertain significance for Spastic paraplegia 78, autosomal recessive. Last evaluated: 2019-01-01. Review status: criteria provided, single submitter. Criteria: ACMG Guidelines, 2015. Collection method: clinical testing. Allele origin: inherited. Affected: yes. Observed: 1 variant allele.

Illumina Laboratory Services, Illumina
Classification: Uncertain significance for Kufor-Rakeb syndrome. Last evaluated: 2017-04-27. Review status: criteria provided, single submitter. Criteria: ICSL Variant Classification Criteria 13 December 2019. Collection method: clinical testing. Allele origin: germline.
Comment: This variant was observed as part of a predisposition screen in an ostensibly healthy population. A literature search was performed for the gene, cDNA change, and amino acid change (where applicable). Publications were found based on this search. However, the evidence from the literature, in combination with allele frequency data from public databases where available, was not sufficient to rule this variant in or out of causing disease. Therefore, this variant is classified as a variant of unknown significance.

Genetic Services Laboratory, University of Chicago
Classification: Uncertain significance. Last evaluated: 2014-02-07. Review status: criteria provided, single submitter. Criteria: ACMG Guidelines, 2007. Collection method: clinical testing. Allele origin: germline. Inheritance: Autosomal recessive inheritance.

PreventionGenetics, part of Exact Sciences
Classification: Likely benign for ATP13A2-related condition. Last evaluated: 2022-12-01. Review status: no assertion criteria provided. Collection method: clinical testing. Allele origin: germline. Not counted in ClinVar's aggregate classification.
Comment: This variant is classified as likely benign based on ACMG/AMP sequence variant interpretation guidelines (Richards et al. 2015 PMID: 25741868, with internal and published modifications).

Literature cited by the submitters: PubMed 19085912 (cited by Mayo Clinic Laboratories, Mayo Clinic and Ambry Genetics); PubMed 19705361 (cited by 3 submitters); PubMed 34382491 (cited by Mayo Clinic Laboratories, Mayo Clinic); PubMed 12169656 (cited by Ambry Genetics); PubMed 18075584 (cited by Ambry Genetics); PubMed 18075585 (cited by Ambry Genetics); PubMed 19458722 (cited by Ambry Genetics).

NM_022089.4(ATP13A2):c.2836A>T (p.Ile946Phe)

Gene: ATP13A2 (ATPase cation transporting 13A2; minus strand). Cytogenetic location: 1p36.13.
Variant type: single nucleotide variant.
Coding change: c.2836A>T on transcript NM_022089.4 (MANE Select); coding-DNA position 2836, A replaced by T.
Protein change: p.Ile946Phe; replaces isoleucine 946 with phenylalanine.
Molecular consequence: missense variant.
Genome position (GRCh38, 1-based): chr1:16,988,161, T>A on the plus strand (A>T on the coding strand, the complement: ATP13A2 is on the minus strand). VCF-style: chr1-16988161-T-A. GRCh37 (hg19) VCF-style: chr1-17314656-T-A.
Other names: c.2821A>T, p.Ile941Phe (NM_001141973.3); c.2704A>T, p.Ile902Phe (NM_001141974.3); short protein forms I946F, I941F, I902F.
Identifiers: ClinVar variation 128469 (VCV000128469.56), dbSNP rs55708915, ClinGen allele CA230914.
Genomic context (GRCh38, chr1:16,988,161, plus strand): 5'-GGGACGGCTCTGGGTACGGAGCTCTGCAGATACTCACCGTGTAGAGGATCAGGACGGAGA[T>A]GAACTGGGTCAGGCTGTACAGAGCCATGTACTTGAAGACGCTGAACGAAGTGTCAAGGGA-3'
Protein context (NP_071372.1, residues 936-956): YMALYSLTQF[Ile946Phe]SVLILYTINT